The following is an entry in ClinVar:

NM_020778.5(ALPK3):c.2129C>T (p.Thr710Met)

Gene: ALPK3 (alpha kinase 3; plus strand). Cytogenetic location: 15q25.3.
Variant type: single nucleotide variant.
Coding change: c.2129C>T on transcript NM_020778.5 (MANE Select); coding-DNA position 2129, C replaced by T.
Protein change: p.Thr710Met; replaces threonine 710 with methionine.
Molecular consequence: missense variant.
Genome position (GRCh38, 1-based): chr15:84,856,867, C>T. VCF-style: chr15-84856867-C-T. GRCh37 (hg19) VCF-style: chr15-85400098-C-T.
Other names: c.2735C>T (NM_020778.4); short protein forms T710M.
Identifiers: ClinVar variation 1912678 (VCV001912678.24), dbSNP rs202167259, ClinGen allele CA7709342.

ClinVar aggregate classification (germline): Uncertain significance. Review status: criteria provided, multiple submitters, no conflicts (2 of 4 stars). 3 submissions from 3 submitters: Uncertain significance (3). Last evaluated 2025-12-09.

Conditions:
Cardiovascular phenotype. Identifiers: MedGen CN230736.

Allele frequency attached by ClinVar (database versions not stated): gnomAD exomes 0.00002; TOPMed 0.00002; ExAC 0.00004; gnomAD 0.00005; 1000 Genomes Project 30x 0.00016; 1000 Genomes Project 0.00020.
gnomAD v4.1: 38 of 1,613,880 alleles (0.0024%); highest among the groups gnomAD compares: East Asian, 0.016%; no homozygotes.

Submissions (3):

Labcorp Genetics (formerly Invitae), Labcorp
Classification: Uncertain significance. Last evaluated: 2025-12-09. Review status: criteria provided, single submitter. Criteria: Invitae Variant Classification Sherloc (09022015). Collection method: clinical testing. Allele origin: germline.
Comment: This sequence change replaces threonine, which is neutral and polar, with methionine, which is neutral and non-polar, at codon 912 of the ALPK3 protein (p.Thr912Met). This variant is present in population databases (rs202167259, gnomAD 0.01%). This variant has not been reported in the literature in individuals affected with ALPK3-related conditions. ClinVar contains an entry for this variant (Variation ID: 1912678). Invitae Evidence Modeling of protein sequence and biophysical properties (such as structural, functional, and spatial information, amino acid conservation, physicochemical variation, residue mobility, and thermodynamic stability) indicates that this missense variant is not expected to disrupt ALPK3 protein function with a negative predictive value of 80%. In summary, the available evidence is currently insufficient to determine the role of this variant in disease. Therefore, it has been classified as a Variant of Uncertain Significance.

CeGaT Center for Human Genetics Tuebingen
Classification: Uncertain significance. Last evaluated: 2024-07-01. Review status: criteria provided, single submitter. Criteria: CeGaT Center For Human Genetics Tuebingen Variant Classification Criteria Version 2. Collection method: clinical testing. Allele origin: germline. Affected: yes. Observed: 1 variant allele.
Comment: ALPK3: PM2, BP4

Ambry Genetics
Classification: Uncertain significance for Cardiovascular phenotype. Last evaluated: 2023-08-23. Review status: criteria provided, single submitter. Criteria: Ambry Variant Classification Scheme 2023. Collection method: clinical testing. Allele origin: germline.
Comment: The p.T912M variant (also known as c.2735C>T), located in coding exon 6 of the ALPK3 gene, results from a C to T substitution at nucleotide position 2735. The threonine at codon 912 is replaced by methionine, an amino acid with similar properties. This amino acid position is poorly conserved in available vertebrate species. In addition, this alteration is predicted to be tolerated by in silico analysis. Since supporting evidence is limited at this time, the clinical significance of this alteration remains unclear.